The following is an entry in ClinVar:

NM_000083.3(CLCN1):c.2279C>A (p.Pro760His)

Gene: CLCN1 (chloride voltage-gated channel 1; plus strand). Cytogenetic location: 7q34.
Variant type: single nucleotide variant.
Coding change: c.2279C>A on transcript NM_000083.3 (MANE Select); coding-DNA position 2279, C replaced by A.
Protein change: p.Pro760His; replaces proline 760 with histidine.
Molecular consequence: missense variant. On other transcripts: non-coding transcript variant (1).
Genome position (GRCh38, 1-based): chr7:143,346,246, C>A. VCF-style: chr7-143346246-C-A. GRCh37 (hg19) VCF-style: chr7-143043339-C-A.
Other names: short protein forms P760H.
Identifiers: ClinVar variation 2141663 (VCV002141663.4), dbSNP rs1412792102, ClinGen allele CA369651559.

ClinVar aggregate classification (germline): Uncertain significance (1 of 4 stars; one submission).

Conditions:
Congenital myotonia, autosomal recessive form. Also called: BECKER DISEASE; Becker Generalized Myotonia; myotonia congenita, autosomal recessive. Identifiers: Orphanet 614, MedGen C0751360, MONDO:0009715, OMIM 255700.
Congenital myotonia, autosomal dominant form (THD). Also called: THOMSEN DISEASE; Myotonia congenita autosomal dominant. Identifiers: Orphanet 614, MedGen C2936781, MONDO:0008055, OMIM 160800.

Allele frequency attached by ClinVar (database versions not stated): gnomAD exomes below 0.00001; TOPMed below 0.00001.
gnomAD v4.1: 3 of 1,604,746 alleles (0.00019%); highest among the groups gnomAD compares: East Asian, 0.0022%; no homozygotes.

Submission:

Labcorp Genetics (formerly Invitae), Labcorp
Classification: Uncertain significance for Congenital myotonia, autosomal recessive form; Congenital myotonia, autosomal dominant form. Last evaluated: 2025-07-21. Review status: criteria provided, single submitter. Criteria: Invitae Variant Classification Sherloc (09022015). Collection method: clinical testing. Allele origin: germline.
Comment: This sequence change replaces proline, which is neutral and non-polar, with histidine, which is basic and polar, at codon 760 of the CLCN1 protein (p.Pro760His). This variant is not present in population databases (gnomAD no frequency). This variant has not been reported in the literature in individuals affected with CLCN1-related conditions. ClinVar contains an entry for this variant (Variation ID: 2141663). Invitae Evidence Modeling of protein sequence and biophysical properties (such as structural, functional, and spatial information, amino acid conservation, physicochemical variation, residue mobility, and thermodynamic stability) indicates that this missense variant is not expected to disrupt CLCN1 protein function with a negative predictive value of 95%. In summary, the available evidence is currently insufficient to determine the role of this variant in disease. Therefore, it has been classified as a Variant of Uncertain Significance.